The following is an entry in ClinVar:

NM_000384.3(APOB):c.8055G>T (p.Gln2685His)

Gene: APOB (apolipoprotein B; minus strand). Cytogenetic location: 2p24.1.
Variant type: single nucleotide variant.
Coding change: c.8055G>T on transcript NM_000384.3 (MANE Select); coding-DNA position 8055, G replaced by T.
Protein change: p.Gln2685His; replaces glutamine 2685 with histidine.
Molecular consequence: missense variant.
Genome position (GRCh38, 1-based): chr2:21,008,813, C>A on the plus strand (G>T on the coding strand, the complement: APOB is on the minus strand). VCF-style: chr2-21008813-C-A. GRCh37 (hg19) VCF-style: chr2-21231685-C-A.
Other names: short protein forms Q2685H.
Identifiers: ClinVar variation 2681954 (VCV002681954.1), dbSNP rs2465367278, ClinGen allele CA345995534.
Genomic context (GRCh38, chr2:21,008,813, plus strand): 5'-TCTCGCTAGAGGAATGTCCTCCACCTTCAGATCCCTGAGATATATATCTGGAACGGGCCA[C>A]TGCAGCTCACTGTTCAGCATCTGGTCAATGGTTCTGATGATCTTTACTTTCATTTCTACA-3'
Protein context (NP_000375.3, residues 2675-2695): TIDQMLNSEL[Gln2685His]WPVPDIYLRD

ClinVar aggregate classification (germline): Uncertain significance (1 of 4 stars; one submission).

Submission:

Quest Diagnostics Nichols Institute San Juan Capistrano
Classification: Uncertain significance. Last evaluated: 2023-08-08. Review status: criteria provided, single submitter. Criteria: Quest Diagnostics criteria. Collection method: clinical testing. Allele origin: unknown.
Comment: To the best of our knowledge, this variant has not been reported in the published literature. It also has not been reported in large, multi-ethnic general populations (Genome Aggregation Database). Analysis of this variant using bioinformatics tools for the prediction of the effect of amino acid changes on protein structure and function yielded conflicting predictions that this variant is benign or damaging. Based on the available information, we are unable to determine the clinical significance of this variant.